The following is an entry in ClinVar:

ClinVar aggregate classification (germline): Uncertain significance (1 of 4 stars; one submission).

Conditions:
Myopathy, proximal, and ophthalmoplegia (CMYO6). Also called: CONGENITAL MYOPATHY 6 WITH OPHTHALMOPLEGIA; INCLUSION BODY MYOPATHY 3, AUTOSOMAL DOMINANT; MYOPATHY WITH CONGENITAL JOINT CONTRACTURES, OPHTHALMOPLEGIA, AND RIMMED VACUOLES. Identifiers: Orphanet 363677, Orphanet 79091, MedGen C1854106, MONDO:0011577, OMIM 605637.

Submission:

Labcorp Genetics (formerly Invitae), Labcorp
Classification: Uncertain significance for Myopathy, proximal, and ophthalmoplegia. Last evaluated: 2023-04-01. Review status: criteria provided, single submitter. Criteria: Invitae Variant Classification Sherloc (09022015). Collection method: clinical testing. Allele origin: germline.
Comment: This sequence change replaces leucine, which is neutral and non-polar, with isoleucine, which is neutral and non-polar, at codon 1628 of the MYH2 protein (p.Leu1628Ile). This variant is not present in population databases (gnomAD no frequency). This variant has not been reported in the literature in individuals affected with MYH2-related conditions. Advanced modeling of protein sequence and biophysical properties (such as structural, functional, and spatial information, amino acid conservation, physicochemical variation, residue mobility, and thermodynamic stability) performed at Invitae indicates that this missense variant is not expected to disrupt MYH2 protein function. In summary, the available evidence is currently insufficient to determine the role of this variant in disease. Therefore, it has been classified as a Variant of Uncertain Significance.

NM_017534.6(MYH2):c.4882C>A (p.Leu1628Ile)

Genes: MYHAS (myosin heavy chain gene cluster antisense RNA; plus strand), MYH2 (myosin heavy chain 2; minus strand), LOC126862500 (BRD4-independent group 4 enhancer GRCh37_chr17:10427829-10429028; plus strand). Cytogenetic location: 17p13.1.
Variant type: single nucleotide variant.
Coding change: c.4882C>A on transcript NM_017534.6 (MANE Select); coding-DNA position 4882, C replaced by A.
Protein change: p.Leu1628Ile; replaces leucine 1628 with isoleucine.
Molecular consequence: missense variant.
Genome position (GRCh38, 1-based): chr17:10,524,846, G>T on the plus strand (C>A on the coding strand, the complement: MYH2 is on the minus strand). VCF-style: chr17-10524846-G-T. GRCh37 (hg19) VCF-style: chr17-10428163-G-T.
Other names: c.4882C>A, p.Leu1628Ile (NM_001100112.2); short protein forms L1628I.
Identifiers: ClinVar variation 2851423 (VCV002851423.3), dbSNP rs2142292545, ClinGen allele CA398121132.
Genomic context (GRCh38, chr17:10,524,846, plus strand): 5'-TCCTCAGGGCCTCAGCAGCCATGCGGTTGGCATGGTTCAGCTGGATTTCCATTTCATTGA[G>T]GTCTCCCTCCATCTTCTTCTTGAGCCTAATGGCATCATTCCTACTCCTGATCTCAGCATC-3'
Protein context (NP_060004.3, residues 1618-1638): IRLKKKMEGD[Leu1628Ile]NEMEIQLNHA